The following is an entry in ClinVar:

NM_002693.3(POLG):c.64C>A (p.Pro22Thr)

Genes: POLG (DNA polymerase gamma, catalytic subunit; minus strand), POLGARF (POLG alternative reading frame; minus strand). Cytogenetic location: 15q26.1.
Variant type: single nucleotide variant.
Coding change: c.64C>A on transcript NM_002693.3 (MANE Select); coding-DNA position 64, C replaced by A.
Protein change: p.Pro22Thr; replaces proline 22 with threonine.
Molecular consequence: missense variant.
Genome position (GRCh38, 1-based): chr15:89,333,691, G>T on the plus strand (C>A on the coding strand, the complement: POLG is on the minus strand). VCF-style: chr15-89333691-G-T. GRCh37 (hg19) VCF-style: chr15-89876922-G-T.
Other names: c.64C>A, p.Pro22Thr (NM_001126131.2); short protein forms P22T.
Identifiers: ClinVar variation 2820244 (VCV002820244.3), dbSNP rs568058975, ClinGen allele CA393775018.

ClinVar aggregate classification (germline): Uncertain significance (1 of 4 stars; one submission).

Conditions:
Progressive sclerosing poliodystrophy (MTDPS4A). Also called: ALPERS PROGRESSIVE INFANTILE POLIODYSTROPHY; NEURONAL DEGENERATION OF CHILDHOOD WITH LIVER DISEASE, PROGRESSIVE; Alpers Syndrome; ALPERS DIFFUSE DEGENERATION OF CEREBRAL GRAY MATTER WITH HEPATIC CIRRHOSIS; Alpers-Huttenlocher Syndrome; Mitochondrial DNA Depletion Syndrome 4A. Identifiers: Orphanet 726, MedGen C0205710, MONDO:0008758, OMIM 203700.

gnomAD v4.1: 1 of 1,543,584 alleles (0.000065%); highest among the groups gnomAD compares: African/African-American, 0.0014%; no homozygotes.

Submission:

Labcorp Genetics (formerly Invitae), Labcorp
Classification: Uncertain significance for Progressive sclerosing poliodystrophy. Last evaluated: 2023-03-27. Review status: criteria provided, single submitter. Criteria: Invitae Variant Classification Sherloc (09022015). Collection method: clinical testing. Allele origin: germline.
Comment: In summary, the available evidence is currently insufficient to determine the role of this variant in disease. Therefore, it has been classified as a Variant of Uncertain Significance. Advanced modeling of protein sequence and biophysical properties (such as structural, functional, and spatial information, amino acid conservation, physicochemical variation, residue mobility, and thermodynamic stability) performed at Invitae indicates that this missense variant is not expected to disrupt POLG protein function. This variant has not been reported in the literature in individuals affected with POLG-related conditions. This variant is not present in population databases (gnomAD no frequency). This sequence change replaces proline, which is neutral and non-polar, with threonine, which is neutral and polar, at codon 22 of the POLG protein (p.Pro22Thr).